The following is an entry in ClinVar:

ClinVar aggregate classification (germline): Uncertain significance (1 of 4 stars; one submission).

Conditions:
Asphyxiating thoracic dystrophy 3. Also called: POLYDACTYLY WITH NEONATAL CHONDRODYSTROPHY, TYPE I; SHORT-RIB THORACIC DYSPLASIA 3 WITH OR WITHOUT POLYDACTYLY; SHORT-RIB THORACIC DYSPLASIA 3/6 WITH POLYDACTYLY, DIGENIC; Saldino-Noonan Syndrome; Short rib polydactyly syndrome 2B. Identifiers: Orphanet 474, Orphanet 93269, Orphanet 93270, Orphanet 93271, MedGen C0036069, MONDO:0013127, OMIM 613091.

gnomAD v4.1: 1 of 1,502,930 alleles (0.000067%); highest among the groups gnomAD compares: Non-Finnish European, 0.000088%; no homozygotes.

Submission:

Myriad Genetics, Inc.
Classification: Uncertain significance for Asphyxiating thoracic dystrophy 3. Last evaluated: 2025-11-18. Review status: criteria provided, single submitter. Criteria: Myriad Autosomal Dominant, Autosomal Recessive and X-Linked Classification Criteria (2023). Collection method: clinical testing. Allele origin: unknown.
Comment: NM_001377.2(DYNC2H1):c.366+1G>T is a variant in a canonical splice site classified as a variant of uncertain significance in the context of DYNC2H1-related disorders. c.366+1G>T has not been observed in cases with relevant disease. Relevant functional assessments of this variant are not available in the literature. c.366+1G>T has not been observed in referenced population frequency databases. In summary, there is insufficient evidence to classify NM_001377.2(DYNC2H1):c.366+1G>T as pathogenic or benign. Please note: this variant was assessed in the context of healthy population screening.

NM_001377.3(DYNC2H1):c.366+1G>T

Gene: DYNC2H1 (dynein cytoplasmic 2 heavy chain 1; plus strand). Cytogenetic location: 11q22.3.
Variant type: single nucleotide variant.
Coding change: c.366+1G>T on transcript NM_001377.3 (MANE Select); the canonical splice donor site of the intron after coding-DNA position 366, G replaced by T.
Molecular consequence: splice donor variant.
Genome position (GRCh38, 1-based): chr11:103,113,708, G>T. VCF-style: chr11-103113708-G-T. GRCh37 (hg19) VCF-style: chr11-102984437-G-T.
Other names: c.366+1G>T (NM_001080463.2).
Identifiers: ClinVar variation 5004280 (VCV005004280.1).